The following is an entry in ClinVar:

NM_001008537.3(NEXMIF):c.4438G>A (p.Ala1480Thr)

Gene: NEXMIF (neurite extension and migration factor; minus strand). Cytogenetic location: Xq13.3.
Variant type: single nucleotide variant.
Coding change: c.4438G>A on transcript NM_001008537.3 (MANE Select); coding-DNA position 4438, G replaced by A.
Protein change: p.Ala1480Thr; replaces alanine 1480 with threonine.
Molecular consequence: missense variant.
Genome position (GRCh38, 1-based): chrX:74,740,119, C>T on the plus strand (G>A on the coding strand, the complement: NEXMIF is on the minus strand). VCF-style: chrX-74740119-C-T. GRCh37 (hg19) VCF-style: chrX-73959954-C-T.
Other names: short protein forms A1480T.
Identifiers: ClinVar variation 5008484 (VCV005008484.1).

ClinVar aggregate classification (germline): Uncertain significance (1 of 4 stars; one submission).

Submission:

GeneDx
Classification: Uncertain significance. Last evaluated: 2026-03-07. Review status: criteria provided, single submitter. Criteria: GeneDx Variant Classification Process June 2021. Collection method: clinical testing. Allele origin: germline.
Comment: Not observed at significant frequency in large population cohorts (gnomAD); In silico analysis suggests that this missense variant does not alter protein structure/function; Has not been previously published as pathogenic or benign to our knowledge